The following is an entry in ClinVar:

ClinVar aggregate classification (germline): Benign. Review status: criteria provided, multiple submitters, no conflicts (2 of 4 stars). 2 submissions from 2 submitters: Benign (2). Last evaluated 2018-01-13.

Conditions:
Neuronal ceroid lipofuscinosis 2. Also called: TPP1-Related Neuronal Ceroid-Lipofuscinosis; JANSKY-BIELSCHOWSKY DISEASE NEURONAL CEROID LIPOFUSCINOSIS, LATE INFANTILE. Identifiers: Orphanet 168491, Orphanet 228349, Orphanet 79264, MedGen C1876161, MONDO:0008769, OMIM 204500.

Allele frequency attached by ClinVar (database versions not stated): gnomAD exomes 0.69181; gnomAD 0.76311 and 0.76519; TOPMed 0.77367; 1000 Genomes Project 30x 0.80215; 1000 Genomes Project 0.81030.
gnomAD v4.1: 116,896 of 152,654 alleles (77%); highest among the groups gnomAD compares: East Asian, 89%; 44,923 homozygotes.

Submissions (2):

Illumina Laboratory Services, Illumina
Classification: Benign for Neuronal ceroid lipofuscinosis 2. Last evaluated: 2018-01-13. Review status: criteria provided, single submitter. Criteria: ICSL Variant Classification Criteria 13 December 2019. Collection method: clinical testing. Allele origin: germline.
Comment: This variant was observed in the ICSL laboratory as part of a predisposition screen in an ostensibly healthy population. It had not been previously curated by ICSL or reported in the Human Gene Mutation Database (HGMD: prior to June 1st, 2018), and was therefore a candidate for classification through an automated scoring system. Utilizing variant allele frequency, disease prevalence and penetrance estimates, and inheritance mode, an automated score was calculated to assess if this variant is too frequent to cause the disease. Based on the score and internal cut-off values, a variant classified as benign is not then subjected to further curation. The score for this variant resulted in a classification of benign for this disease.

Breakthrough Genomics
Classification: Benign. Review status: criteria provided, single submitter. Criteria: ACMG Guidelines, 2015. Collection method: not provided. Allele origin: germline. Inheritance: Autosomal recessive inheritance. Affected: yes.

NM_000391.4(TPP1):c.*1628G>A

Gene: TPP1 (tripeptidyl peptidase 1; minus strand). Cytogenetic location: 11p15.4.
Variant type: single nucleotide variant.
Coding change: c.*1628G>A on transcript NM_000391.4 (MANE Select); 1628 bases downstream of the stop codon, G replaced by A.
Molecular consequence: 3 prime UTR variant.
Genome position (GRCh38, 1-based): chr11:6,612,918, C>T on the plus strand (G>A on the coding strand, the complement: TPP1 is on the minus strand). VCF-style: chr11-6612918-C-T. GRCh37 (hg19) VCF-style: chr11-6634149-C-T.
Identifiers: ClinVar variation 305489 (VCV000305489.6), dbSNP rs7488, ClinGen allele CA10639745.
Genomic context (GRCh38, chr11:6,612,918, plus strand): 5'-TCTAGGCACCAACGGTCTTGGAAAGGAAGGCAGACAAGTAAACTGGCCATTTCAATACTA[C>T]GTGGTCGTTACAATGCTAGAGGTAGGCACAGGGGGCGCAGTGCAAGGGAGGAAGGGCGTT-3'